The following is an entry in ClinVar:

ClinVar aggregate classification (germline): Uncertain significance (1 of 4 stars; one submission).

Submission:

Labcorp Genetics (formerly Invitae), Labcorp
Classification: Uncertain significance. Last evaluated: 2022-03-13. Review status: criteria provided, single submitter. Criteria: Invitae Variant Classification Sherloc (09022015). Collection method: clinical testing. Allele origin: germline.
Comment: This sequence change replaces proline, which is neutral and non-polar, with histidine, which is basic and polar, at codon 294 of the NLRP1 protein (p.Pro294His). This variant is not present in population databases (gnomAD no frequency). This variant has not been reported in the literature in individuals affected with NLRP1-related conditions. Algorithms developed to predict the effect of missense changes on protein structure and function (SIFT, PolyPhen-2, Align-GVGD) all suggest that this variant is likely to be tolerated. In summary, the available evidence is currently insufficient to determine the role of this variant in disease. Therefore, it has been classified as a Variant of Uncertain Significance.

NM_033004.4(NLRP1):c.881C>A (p.Pro294His)

Gene: NLRP1 (NLR family pyrin domain containing 1; minus strand). Cytogenetic location: 17p13.2.
Variant type: single nucleotide variant.
Coding change: c.881C>A on transcript NM_033004.4 (MANE Select); coding-DNA position 881, C replaced by A.
Protein change: p.Pro294His; replaces proline 294 with histidine.
Molecular consequence: missense variant.
Genome position (GRCh38, 1-based): chr17:5,559,815, G>T on the plus strand (C>A on the coding strand, the complement: NLRP1 is on the minus strand). VCF-style: chr17-5559815-G-T. GRCh37 (hg19) VCF-style: chr17-5463135-G-T.
Other names: c.881C>A, p.Pro294His (NM_001033053.3, NM_014922.5, NM_033006.4 and 1 more transcripts); short protein forms P294H.
Identifiers: ClinVar variation 2110634 (VCV002110634.4), dbSNP rs773866014, ClinGen allele CA397387733.
Genomic context (GRCh38, chr17:5,559,815, plus strand): 5'-ATCTCAATTAAATGTCCTCGATTCTCCTCCACATAATCAGGCCAGCTTCTCTTGACCAGG[G>T]GATCTTGGCTTCTGGGGTGAGGTCTTTGTAGAAGTAGCAGCTGTGTGAATTTTTGGTTAA-3'
Protein context (NP_127497.1, residues 284-304): LQRPHPRSQD[Pro294His]LVKRSWPDYV